The following is an entry in ClinVar:

NM_000369.5(TSHR):c.881+1G>T

Genes: TSHR (thyroid stimulating hormone receptor; plus strand), TSHR-AS1 (TSHR antisense RNA 1; minus strand). Cytogenetic location: 14q31.1.
Variant type: single nucleotide variant.
Coding change: c.881+1G>T on transcript NM_000369.5 (MANE Select); the canonical splice donor site of the intron after coding-DNA position 881, G replaced by T.
Molecular consequence: splice donor variant.
Genome position (GRCh38, 1-based): chr14:81,139,868, G>T. VCF-style: chr14-81139868-G-T. GRCh37 (hg19) VCF-style: chr14-81606212-G-T.
Identifiers: ClinVar variation 3004919 (VCV003004919.4), dbSNP rs1330247874, ClinGen allele CA390725886.

ClinVar aggregate classification (germline): Pathogenic/Likely pathogenic. Review status: criteria provided, multiple submitters, no conflicts (2 of 4 stars). 2 submissions from 2 submitters: Pathogenic (1); Likely pathogenic (1). Last evaluated 2024-01-06.

Conditions:
Familial hyperthyroidism due to mutations in TSH receptor. Also called: TOXIC THYROID HYPERPLASIA, AUTOSOMAL DOMINANT; HYPERTHYROIDISM, CONGENITAL NONAUTOIMMUNE; HYPERTHYROIDISM, NONAUTOIMMUNE, AUTOSOMAL DOMINANT. Identifiers: Orphanet 424, MedGen C1836706, MONDO:0012203, OMIM 609152.
Familial gestational hyperthyroidism. Identifiers: Orphanet 99819, MedGen C1863959, MONDO:0011309, OMIM 603373.
Hypothyroidism due to TSH receptor mutations. Also called: Hypothyroidism, congenital, nongoitrous, 1; HYPOTHYROIDISM DUE TO UNRESPONSIVENESS TO THYROTROPIN; HYPOTHYROIDISM, CONGENITAL, DUE TO TSH RESISTANCE; HYPOTHYROIDISM, NONAUTOIMMUNE; THYROID-STIMULATING HORMONE, RESISTANCE TO; TSH RESISTANCE. Identifiers: Orphanet 90673, MedGen C3493776, MONDO:0010142, OMIM 275200.

Allele frequency attached by ClinVar (database versions not stated): gnomAD exomes below 0.00001.

Submissions (2):

Fulgent Genetics
Classification: Likely pathogenic for Hypothyroidism due to TSH receptor mutations; Familial gestational hyperthyroidism; Familial hyperthyroidism due to mutations in TSH receptor. Last evaluated: 2024-01-06. Review status: criteria provided, single submitter. Criteria: ACMG Guidelines, 2015. Collection method: clinical testing. Allele origin: germline.

Labcorp Genetics (formerly Invitae), Labcorp
Classification: Pathogenic. Last evaluated: 2023-03-09. Review status: criteria provided, single submitter. Criteria: Invitae Variant Classification Sherloc (09022015). Collection method: clinical testing. Allele origin: germline.
Comment: This sequence change affects a donor splice site in intron 9 of the TSHR gene. While this variant is not anticipated to result in nonsense mediated decay, it likely alters RNA splicing and results in a disrupted protein product. The frequency data for this variant in the population databases is considered unreliable, as metrics indicate poor data quality at this position in the gnomAD database. This variant has not been reported in the literature in individuals affected with TSHR-related conditions. Variants that disrupt the consensus splice site are a relatively common cause of aberrant splicing (PMID: 17576681, 9536098). Algorithms developed to predict the effect of sequence changes on RNA splicing suggest that this variant may disrupt the consensus splice site. This variant disrupts a region of the TSHR protein in which other variant(s) (p.Thr655Cysfs*2) have been determined to be pathogenic (PMID: 9589691, 12050212, 22049173). This suggests that this is a clinically significant region of the protein, and that variants that disrupt it are likely to be disease-causing. For these reasons, this variant has been classified as Pathogenic.

Literature cited by the submitters: PubMed 17576681 (cited by Labcorp Genetics (formerly Invitae), Labcorp); PubMed 9536098 (cited by Labcorp Genetics (formerly Invitae), Labcorp); PubMed 9589691 (cited by Labcorp Genetics (formerly Invitae), Labcorp); PubMed 12050212 (cited by Labcorp Genetics (formerly Invitae), Labcorp); PubMed 22049173 (cited by Labcorp Genetics (formerly Invitae), Labcorp).